The following is an entry in ClinVar:

NM_000535.7(PMS2):c.438A>C (p.Lys146Asn)

Gene: PMS2 (PMS1 homolog 2, mismatch repair system component; minus strand). Cytogenetic location: 7p22.1.
Variant type: single nucleotide variant.
Coding change: c.438A>C on transcript NM_000535.7 (MANE Select); coding-DNA position 438, A replaced by C.
Protein change: p.Lys146Asn; replaces lysine 146 with asparagine.
Molecular consequence: missense variant. On other transcripts: 5 prime UTR variant (2), non-coding transcript variant (1).
Genome position (GRCh38, 1-based): chr7:6,002,552, T>G on the plus strand (A>C on the coding strand, the complement: PMS2 is on the minus strand). VCF-style: chr7-6002552-T-G. GRCh37 (hg19) VCF-style: chr7-6042183-T-G.
Other names: c.33A>C, p.Lys11Asn (NM_001322003.2, NM_001322004.2, NM_001322005.2 and 3 more transcripts); c.438A>C, p.Lys146Asn (NM_001322006.2, NM_001322014.2); c.120A>C, p.Lys40Asn (NM_001322007.2, NM_001322008.2); c.-447A>C (NM_001322011.2, NM_001322012.2); c.129A>C, p.Lys43Asn (NM_001322015.2); short protein forms K146N, K11N, K43N, K40N.
Identifiers: ClinVar variation 484299 (VCV000484299.6), dbSNP rs1396558771, ClinGen allele CA366744348.

ClinVar aggregate classification (germline): Uncertain significance. Review status: criteria provided, multiple submitters, no conflicts (2 of 4 stars). 2 submissions from 2 submitters: Uncertain significance (2). Last evaluated 2024-05-30.

Conditions:
Hereditary cancer-predisposing syndrome. Also called: Neoplastic Syndromes, Hereditary; Tumor predisposition; Hereditary Cancer Syndrome; Hereditary neoplastic syndrome. Identifiers: Orphanet 140162, MedGen C0027672, MeSH D009386, MONDO:0015356.
Lynch syndrome. Identifiers: Orphanet 144, MedGen C4552100, MONDO:0005835. Disease mechanism: loss of function.

Allele frequency attached by ClinVar (database versions not stated): gnomAD exomes below 0.00001.
gnomAD v4.1: 1 of 1,611,896 alleles (0.000062%); highest among the groups gnomAD compares: Non-Finnish European, 0.000085%; no homozygotes.

Submissions (2):

All of Us Research Program, National Institutes of Health
Classification: Uncertain significance for Lynch syndrome. Last evaluated: 2024-05-30. Review status: criteria provided, single submitter. Criteria: ACMG Guidelines, 2015. Collection method: clinical testing. Allele origin: germline. Inheritance: Autosomal dominant inheritance. Observed: 1 variant allele, 1 heterozygote.
Comment: This missense variant replaces lysine with asparagine at codon 146 of the PMS2 protein. Computational prediction suggests that this variant may not impact protein structure and function (internally defined REVEL score threshold <= 0.5, PMID: 27666373). To our knowledge, functional studies have not been reported for this variant. This variant has not been reported in individuals affected with PMS2-related disorders in the literature. This variant has not been identified in the general population by the Genome Aggregation Database (gnomAD). The available evidence is insufficient to determine the role of this variant in disease conclusively. Therefore, this variant is classified as a Variant of Uncertain Significance.

This study involves interpretation of variants in research participants for the purpose of population health screening. Participant phenotype was not available at the time of variant classification. Additional details can be found in publication PMID: 35346344, PMCID: PMC8962531

Ambry Genetics
Classification: Uncertain significance for Hereditary cancer-predisposing syndrome. Last evaluated: 2016-11-30. Review status: criteria provided, single submitter. Criteria: Ambry Variant Classification Scheme 2023. Collection method: clinical testing. Allele origin: germline.
Comment: The p.K146N variant (also known as c.438A>C), located in coding exon 5 of the PMS2 gene, results from an A to C substitution at nucleotide position 438. The lysine at codon 146 is replaced by asparagine, an amino acid with similar properties. This amino acid position is well conserved in available vertebrate species. In addition, this alteration is predicted to be tolerated by in silico analysis. Since supporting evidence is limited at this time, the clinical significance of this alteration remains unclear.